The following is an entry in ClinVar:

NM_000138.5(FBN1):c.8536G>A (p.Glu2846Lys)

Gene: FBN1 (fibrillin 1; minus strand). Cytogenetic location: 15q21.1.
Variant type: single nucleotide variant.
Coding change: c.8536G>A on transcript NM_000138.5 (MANE Select); coding-DNA position 8536, G replaced by A.
Protein change: p.Glu2846Lys; replaces glutamic acid 2846 with lysine.
Molecular consequence: missense variant.
Genome position (GRCh38, 1-based): chr15:48,411,070, C>T on the plus strand (G>A on the coding strand, the complement: FBN1 is on the minus strand). VCF-style: chr15-48411070-C-T. GRCh37 (hg19) VCF-style: chr15-48703267-C-T.
Other names: short protein forms E2846K.
Identifiers: ClinVar variation 571346 (VCV000571346.8), dbSNP rs1555393508, ClinGen allele CA392318624.
Genomic context (GRCh38, chr15:48,411,070, plus strand): 5'-TTTTCATCTTCAGATTATCACCCAGTTCACCACTGAGGTAGTCTTTGTCATATTTGTCTT[C>T]TAGTTGGTTAAGTTCTTTCTTTTTATAAAGTGGAGTACTACTGATTTGTAATGAATAGGT-3'
Protein context (NP_000129.3, residues 2836-2856): LYKKKELNQL[Glu2846Lys]DKYDKDYLSG

ClinVar aggregate classification (germline): Uncertain significance. Review status: criteria provided, multiple submitters, no conflicts (2 of 4 stars). 3 submissions from 3 submitters: Uncertain significance (3). Last evaluated 2024-12-19.

Conditions:
Familial thoracic aortic aneurysm and aortic dissection (TAAD). Also called: Thoracic aortic aneurysms and dissections. Identifiers: Orphanet 91387, MedGen C4707243, MONDO:0019625.
Marfan syndrome (MFS). Also called: FBN1-Related Marfan Syndrome; Marfan syndrome type 1; Marfan's syndrome; Marfan syndrome, classic; MARFAN SYNDROME, TYPE I. Identifiers: Orphanet 284963, Orphanet 558, MedGen C0024796, MONDO:0007947, OMIM 154700.

Allele frequency attached by ClinVar (database versions not stated): TOPMed 0.00002.

Submissions (3):

GeneDx
Classification: Uncertain significance. Last evaluated: 2024-12-19. Review status: criteria provided, single submitter. Criteria: GeneDx Variant Classification Process June 2021. Collection method: clinical testing. Allele origin: germline. Affected: yes.
Comment: Not observed at significant frequency in large population cohorts (gnomAD); In silico analysis indicates that this missense variant does not alter protein structure/function; Has not been previously published as pathogenic or benign to our knowledge; Does not affect a cysteine or calcium-binding residue within an EGF-like domain or a TGF-binding protein domain of the FBN1 gene; cysteine substitutions in the EGF-like domains represent the majority of pathogenic missense changes associated with FBN1-related disorders (PMID: 12938084); This variant is associated with the following publications: (PMID: 12938084)

All of Us Research Program, National Institutes of Health
Classification: Uncertain significance for Marfan syndrome. Last evaluated: 2023-11-02. Review status: criteria provided, single submitter. Criteria: ACMG Guidelines, 2015. Collection method: clinical testing. Allele origin: germline. Inheritance: Autosomal dominant inheritance. Observed: 1 variant allele, 1 heterozygote.
Comment: This missense variant replaces glutamic acid with lysine at codon 2846 of the FBN1 protein. Computational prediction is inconclusive regarding the impact of this variant on protein structure and function (internally defined REVEL score threshold 0.5 < inconclusive < 0.7, PMID: 27666373). To our knowledge, functional studies have not been reported for this variant. This variant has not been reported in individuals affected with FBN1-related disorders in the literature. This variant has not been identified in the general population by the Genome Aggregation Database (gnomAD). The available evidence is insufficient to determine the role of this variant in disease conclusively. Therefore, this variant is classified as a Variant of Uncertain Significance.

This study involves interpretation of variants in research participants for the purpose of population health screening. Participant phenotype was not available at the time of variant classification. Additional details can be found in publication PMID: 35346344, PMCID: PMC8962531

Labcorp Genetics (formerly Invitae), Labcorp
Classification: Uncertain significance for Marfan syndrome; Familial thoracic aortic aneurysm and aortic dissection. Last evaluated: 2021-08-27. Review status: criteria provided, single submitter. Criteria: Invitae Variant Classification Sherloc (09022015). Collection method: clinical testing. Allele origin: germline.
Comment: This sequence change replaces glutamic acid with lysine at codon 2846 of the FBN1 protein (p.Glu2846Lys). The glutamic acid residue is highly conserved and there is a small physicochemical difference between glutamic acid and lysine. This variant is not present in population databases (ExAC no frequency). This variant has not been reported in the literature in individuals affected with FBN1-related conditions. Algorithms developed to predict the effect of missense changes on protein structure and function (SIFT, PolyPhen-2, Align-GVGD) all suggest that this variant is likely to be tolerated. In summary, the available evidence is currently insufficient to determine the role of this variant in disease. Therefore, it has been classified as a Variant of Uncertain Significance.